The following is an entry in ClinVar:

NM_170707.4(LMNA):c.978_979del (p.Leu327fs)

Gene: LMNA (lamin A/C; plus strand). Cytogenetic location: 1q22.
Variant type: Deletion.
Coding change: c.978_979del on transcript NM_170707.4 (MANE Select); coding-DNA positions 978 to 979, 2 bases deleted (AC; older notation c.978_979delAC).
Protein change: p.Leu327fs; shifts the reading frame from leucine 327.
Molecular consequence: frameshift variant.
Genome position (GRCh38, 1-based): chr1:156,135,942-156,135,943, AC deleted; deleting any 2 consecutive bases within chr1:156,135,941-156,135,943 gives the same sequence; the c. name uses the placement nearest the transcript's 3' end. VCF-style (leftmost placement, unchanged base first): chr1-156135940-TCA-T. GRCh37 (hg19) VCF-style: chr1-156105731-TCA-T.
Other names: c.642_643del, p.Leu215fs (NM_001257374.3); c.735_736del, p.Leu246fs (NM_001282624.2); c.978_979del, p.Leu327fs (NM_001282625.2, NM_001282626.2, NM_005572.4 and 1 more transcripts); short protein forms L215fs, L327fs, L246fs.
Identifiers: ClinVar variation 200961 (VCV000200961.8), dbSNP rs794728610, ClinGen allele CA018921.

ClinVar aggregate classification (germline): Pathogenic. Review status: criteria provided, multiple submitters, no conflicts (2 of 4 stars). 2 submissions from 2 submitters: Pathogenic (2). Last evaluated 2020-07-22.

Conditions:
Charcot-Marie-Tooth disease type 2. Also called: Charcot-Marie-Tooth type 2. Identifiers: Orphanet 64746, MedGen C0270914, MONDO:0018993.

Submissions (2):

Labcorp Genetics (formerly Invitae), Labcorp
Classification: Pathogenic for Charcot-Marie-Tooth disease type 2. Last evaluated: 2020-07-22. Review status: criteria provided, single submitter. Criteria: Invitae Variant Classification Sherloc (09022015). Collection method: clinical testing. Allele origin: germline.
Comment: For these reasons, this variant has been classified as Pathogenic. Loss-of-function variants in LMNA are known to be pathogenic (PMID: 18585512, 18926329). This variant has not been reported in the literature in individuals with LMNA-related conditions. ClinVar contains an entry for this variant (Variation ID: 200961). This variant is not present in population databases (ExAC no frequency). This sequence change creates a premature translational stop signal (p.Leu327Glyfs*3) in the LMNA gene. It is expected to result in an absent or disrupted protein product.

GeneDx
Classification: Pathogenic. Last evaluated: 2013-07-31. Review status: criteria provided, single submitter. Criteria: GeneDx Variant Classification (06012015). Collection method: clinical testing. Allele origin: germline. Affected: yes.
Comment: Although the c.978_979delAC mutation in the LMNA gene has not been reported to our knowledge, this mutation causes a shift in reading frame starting at residue Leucine 327, changing it to a Glycine, and creating a premature stop codon at position 3 of the new reading frame, denoted p.Leu327GlyfsX3. This mutation is expected to result in either an abnormal, truncated protein product or loss of protein from this allele through nonsense-mediated mRNA decay. Other frameshift mutations in the LMNA gene have been reported in association with cardiomyopathy/laminopathy. Therefore, the presence of this mutation is consistent with an autosomal dominant form of DCM/laminopathy.

Literature cited by the submitters: PubMed 18585512 (cited by Labcorp Genetics (formerly Invitae), Labcorp); PubMed 18926329 (cited by Labcorp Genetics (formerly Invitae), Labcorp).